The following is an entry in ClinVar:

NM_024006.4(VKORC1):c.-1639G>A

Gene: VKORC1 (vitamin K epoxide reductase complex subunit 1; minus strand). Cytogenetic location: 16p11.2.
Variant type: single nucleotide variant.
Coding change: c.-1639G>A on transcript NM_024006.4; 1639 bases upstream of the start codon, G replaced by A.
Genome position (GRCh38, 1-based): chr16:31,096,368, C>T on the plus strand (G>A on the coding strand, the complement: VKORC1 is on the minus strand). VCF-style: chr16-31096368-C-T. GRCh37 (hg19) VCF-style: chr16-31107689-C-T.
Other names: VKORC1, -1639G-A (rs9923231); NM_024006.5(VKORC1):c.-1639G>T; -1639G>A.
Identifiers: ClinVar variation 2211 (VCV000002211.20), dbSNP rs9923231, ClinGen allele CA115417.
Genomic context (GRCh38, chr16:31,096,368, plus strand): 5'-AGTGATCCACCCACCTCGGCCTCCCAAAATGCTAGGATTATAGGCGTGAGCCACCGCACC[C>T]GGCCAATGGTTGTTTTTCAGGTCTTCTCTTGCTTGACTTCCCAGAGGGATCCCTTACTGT-3'

ClinVar aggregate classification (germline): drug response. Review status: reviewed by expert panel (3 of 4 stars). 15 submissions from 9 submitters: drug response (6). 9 of the submissions do not count toward it. Last evaluated 2021-11-19.

Conditions:
Venous thromboembolism. Identifiers: MedGen C1861172, MeSH D054556, MONDO:0005399.
VKORC1-related disorder. Also called: VKORC1-related condition.
Thrombus. Identifiers: MedGen C0087086, MeSH D013927.
Warfarin response. Also called: Warfarin sensitivity; COUMARIN SENSITIVITY; COUMARIN, POOR METABOLISM OF; WARFARIN RESISTANCE; Coumarin resistance; Coumadin response. Identifiers: MedGen C0750384, MONDO:0007390, OMIM 122700.
phenprocoumon response - Toxicity.
warfarin response - Toxicity.
warfarin response - Dosage. Identifiers: MedGen CN322729.
phenprocoumon response - Dosage. Identifiers: MedGen CN322728.
acenocoumarol response - Dosage. Identifiers: MedGen CN322721.
warfarin response - Efficacy. Identifiers: MedGen CN236588.

Allele frequency attached by ClinVar (database versions not stated): gnomAD 0.31727 and 0.31157; TOPMed 0.32269; 1000 Genomes Project 30x 0.34354; 1000 Genomes Project 0.35563.

Submissions (15):

ClinPGx
Classification: drug response for warfarin response - Dosage. Last evaluated: 2021-11-19. Review status: reviewed by expert panel. Criteria: Pharmacogenomics knowledge for personalized medicine. Collection method: curation. Allele origin: germline. Affected: yes.
Comment: PharmGKB Level of Evidence 1A: Level 1A clinical annotations describe variant-drug combinations that have variant-specific prescribing guidance available in a current clinical guideline annotation or an FDA-approved drug label annotation. Annotations of drug labels or clinical guidelines must give prescribing guidance for specific variants (e.g. CYP2C9*3, HLA-B*57:01) or provide mapping from defined allele functions to diplotypes and phenotypes to be used as supporting evidence for a level 1A clinical annotation. Level 1A clinical annotations must also be supported by at least one publication in addition to a clinical guideline or drug label with variant-specific prescribing guidance.

ClinPGx
Classification: drug response for phenprocoumon response - Dosage. Last evaluated: 2021-03-24. Review status: reviewed by expert panel. Criteria: Pharmacogenomics knowledge for personalized medicine. Collection method: curation. Allele origin: germline. Affected: yes.
Comment: the same text as in the submission from ClinPGx above.

ClinPGx
Classification: drug response for phenprocoumon response - Toxicity. Last evaluated: 2021-03-24. Review status: reviewed by expert panel. Criteria: Pharmacogenomics knowledge for personalized medicine. Collection method: curation. Allele origin: germline. Affected: yes.
Comment: PharmGKB Level of Evidence 2A: Variants in Level 2A clinical annotations are found in PharmGKB’s Tier 1 Very Important Pharmacogenes (VIPs). These variants are in known pharmacogenes, implying causation of drug phenotype is more likely. These clinical annotations describe variant-drug combinations with a moderate level of evidence supporting the association. For example, the association may be found in multiple cohorts, but there may be a minority of studies that do not support the majority assertion. Level 2A clinical annotations must be supported by at least two independent publications.

Drug is not necessarily used to treat response condition

ClinPGx
Classification: drug response for warfarin response - Toxicity. Last evaluated: 2021-03-24. Review status: reviewed by expert panel. Criteria: Pharmacogenomics knowledge for personalized medicine. Collection method: curation. Allele origin: germline. Affected: yes.
Comment: PharmGKB Level of Evidence 1B: Level 1B clinical annotations describe variant-drug combinations with a high level of evidence supporting the association but no variant-specific prescribing guidance in an annotated clinical guideline or FDA drug label. Level 1B clinical annotations must be supported by at least two independent publications.

Drug is not necessarily used to treat response condition

ClinPGx
Classification: drug response for acenocoumarol response - Dosage. Last evaluated: 2021-03-24. Review status: reviewed by expert panel. Criteria: Pharmacogenomics knowledge for personalized medicine. Collection method: curation. Allele origin: germline. Affected: yes.
Comment: the same text as in the submission from ClinPGx above.

ClinPGx
Classification: drug response for warfarin response - Efficacy. Last evaluated: 2021-03-24. Review status: reviewed by expert panel. Criteria: Pharmacogenomics knowledge for personalized medicine. Collection method: curation. Allele origin: germline. Affected: yes.
Comment: the same text as in the submission from ClinPGx above.

Labcorp Genetics (formerly Invitae), Labcorp
Classification: Benign. Last evaluated: 2025-06-25. Review status: criteria provided, single submitter. Criteria: Invitae Variant Classification Sherloc (09022015). Collection method: clinical testing. Allele origin: germline. Not counted in ClinVar's aggregate classification.

Eurofins Ntd Llc (ga)
Classification: other. Last evaluated: 2018-08-08. Review status: criteria provided, single submitter. Criteria: EGL ClinVar v180209 classification definitions. Collection method: clinical testing. Allele origin: germline. Observed: 481 variant alleles, 391 heterozygotes, 87 homozygotes. Not counted in ClinVar's aggregate classification.

GeneDx
Classification: Likely benign. Last evaluated: 2018-03-09. Review status: criteria provided, single submitter. Criteria: GeneDx Variant Classification (06012015). Collection method: clinical testing. Allele origin: germline. Affected: yes. Not counted in ClinVar's aggregate classification.
Comment: This variant is considered likely benign or benign based on one or more of the following criteria: it is a conservative change, it occurs at a poorly conserved position in the protein, it is predicted to be benign by multiple in silico algorithms, and/or has population frequency not consistent with disease.

PreventionGenetics, part of Exact Sciences
Classification: Likely benign for VKORC1-related condition. Last evaluated: 2021-07-20. Review status: no assertion criteria provided. Collection method: clinical testing. Allele origin: germline. Not counted in ClinVar's aggregate classification.
Comment: This variant is classified as likely benign based on ACMG/AMP sequence variant interpretation guidelines (Richards et al. 2015 PMID: 25741868, with internal and published modifications).

OMIM
Classification: Pathogenic for WARFARIN SENSITIVITY. Last evaluated: 2010-09-01. Review status: no assertion criteria provided. Collection method: literature only. Allele origin: germline. Not counted in ClinVar's aggregate classification.

Laboratory for Molecular Medicine, Mass General Brigham Personalized Medicine
Classification: drug response for Warfarin Metabolism. Last evaluated: 2006-12-16. Review status: no assertion criteria provided. Collection method: clinical testing. Allele origin: germline. Observed: 257 variant alleles. Not counted in ClinVar's aggregate classification.

Department of Pharmacology - Sarajevo Medical School, University Sarajevo School of Science and Technology
Classification: Uncertain significance for Thrombus. Review status: no assertion criteria provided. Collection method: research, case-control. Allele origin: germline. Affected: yes and no. Observed: 34 variant alleles, 21 heterozygotes, 13 homozygotes. Clinical features observed: Thromboembolism (HP:0001907). Not counted in ClinVar's aggregate classification.

Department of Pharmacology - Sarajevo Medical School, University Sarajevo School of Science and Technology
Classification: Uncertain significance. Review status: no assertion criteria provided. Collection method: case-control. Allele origin: germline. Affected: no and yes. Observed: 48 variant alleles. Clinical features observed: COVID-19, Thromboembolism (HP:0001907). Not counted in ClinVar's aggregate classification.
Comment: It is uncertain if there exists an association between the presence of the variant or A allele, at the VKORC1 -1639G>A locus, and survival from thromboembolism in COVID-19

Faculty of Pharmacy, Damascus University
Classification: protective for Venous thromboembolism. Review status: no assertion criteria provided. Collection method: research. Allele origin: biparental. Affected: yes and no. Observed: 116 variant alleles, 100 heterozygotes, 16 homozygotes. Not counted in ClinVar's aggregate classification.
Comment: Some studies observed an association between VKORC1 -1639G>A (rs9923231) with thromboembolism (Dubovyk 2016, Kumari 2019). Our study suggests a possible protective effect for the -1639A allele against venous thromboembolism. References Dubovyk YI, Harbuzova VY, Ataman A V. G-1639A but Not C1173T VKORC1 Gene Polymorphism is Related to Ischemic Stroke and Its Various Risk Factors in Ukrainian Population. Biomed Res Int. 2016 Sep 15;2016. Kumari B, Garg I, Rai C, Panjawani U, Bhuvnesh K, Srivastava S. Positive Association of Mutations in VKORC1 and CYP2C9 Genes with Venous Thrombo-Embolism (VTE) in Indian Population: A Case Control Study. J Genet Eng Biotechnol Res. 2019;1(2).

Literature cited by the submitters: PubMed 15883587 (cited by ClinPGx); PubMed 15888487 (cited by ClinPGx and OMIM); PubMed 15930419 (cited by ClinPGx); PubMed 15947090 (cited by ClinPGx); PubMed 16580898 (cited by ClinPGx); PubMed 16890578 (cited by ClinPGx); PubMed 17049586 (cited by ClinPGx); PubMed 17510308 (cited by ClinPGx); PubMed 18030307 (cited by ClinPGx); PubMed 18305455 (cited by ClinPGx); PubMed 18535201 (cited by ClinPGx); PubMed 18542936 (cited by ClinPGx); PubMed 18574025 (cited by ClinPGx); PubMed 18855533 (cited by ClinPGx); PubMed 19135231 (cited by ClinPGx); PubMed 19228618 (cited by ClinPGx); PubMed 19300499 (cited by ClinPGx); PubMed 19387626 (cited by ClinPGx); PubMed 19582440 (cited by ClinPGx); PubMed 19679631 (cited by ClinPGx); PubMed 19745563 (cited by ClinPGx); PubMed 19794411 (cited by ClinPGx); PubMed 19874474 (cited by ClinPGx); PubMed 19875892 (cited by ClinPGx); PubMed 20072124 (cited by ClinPGx); PubMed 20128861 (cited by ClinPGx); PubMed 20203262 (cited by ClinPGx); PubMed 20339978 (cited by ClinPGx); PubMed 20375999 (cited by ClinPGx); PubMed 20386359 (cited by ClinPGx); PubMed 20421126 (cited by ClinPGx); PubMed 20615525 (cited by ClinPGx); PubMed 20653676 (cited by ClinPGx); PubMed 20833655 (cited by ClinPGx); PubMed 20833980 (cited by ClinPGx); PubMed 21110192 (cited by ClinPGx); PubMed 21148049 (cited by ClinPGx); PubMed 21174619 (cited by ClinPGx); PubMed 21176721 (cited by ClinPGx); PubMed 21185752 (cited by ClinPGx); PubMed 21228733 (cited by ClinPGx); PubMed 21320153 (cited by ClinPGx); PubMed 21747589 (cited by ClinPGx); PubMed 22010099 (cited by ClinPGx); PubMed 22040439 (cited by ClinPGx); PubMed 22130800 (cited by ClinPGx).